The following is an entry in ClinVar:

ClinVar aggregate classification (germline): Uncertain significance (1 of 4 stars; one submission).

Submission:

Labcorp Genetics (formerly Invitae), Labcorp
Classification: Uncertain significance. Last evaluated: 2022-10-21. Review status: criteria provided, single submitter. Criteria: Invitae Variant Classification Sherloc (09022015). Collection method: clinical testing. Allele origin: germline.
Comment: This sequence change replaces alanine, which is neutral and non-polar, with glycine, which is neutral and non-polar, at codon 754 of the OPA1 protein (p.Ala754Gly). This variant is not present in population databases (gnomAD no frequency). This variant has not been reported in the literature in individuals affected with OPA1-related conditions. Advanced modeling of protein sequence and biophysical properties (such as structural, functional, and spatial information, amino acid conservation, physicochemical variation, residue mobility, and thermodynamic stability) performed at Invitae indicates that this missense variant is not expected to disrupt OPA1 protein function. In summary, the available evidence is currently insufficient to determine the role of this variant in disease. Therefore, it has been classified as a Variant of Uncertain Significance.

NM_130837.3(OPA1):c.2426C>G (p.Ala809Gly)

Gene: OPA1 (OPA1 mitochondrial dynamin like GTPase; plus strand). Cytogenetic location: 3q29.
Variant type: single nucleotide variant.
Coding change: c.2426C>G on transcript NM_130837.3 (MANE Select); coding-DNA position 2426, C replaced by G.
Protein change: p.Ala809Gly; replaces alanine 809 with glycine.
Molecular consequence: missense variant.
Genome position (GRCh38, 1-based): chr3:193,658,981, C>G. VCF-style: chr3-193658981-C-G. GRCh37 (hg19) VCF-style: chr3-193376770-C-G.
Other names: c.1892C>G, p.Ala631Gly (NM_001354663.2); c.1889C>G, p.Ala630Gly (NM_001354664.2); c.2261C>G, p.Ala754Gly (NM_015560.3); c.2153C>G, p.Ala718Gly (NM_130831.3); c.2207C>G, p.Ala736Gly (NM_130832.3); c.2264C>G, p.Ala755Gly (NM_130833.3); c.2315C>G, p.Ala772Gly (NM_130834.3); c.2318C>G, p.Ala773Gly (NM_130835.3); and 1 more; short protein forms A630G, A631G, A718G, A736G, A754G, A755G, A772G, A773G.
Identifiers: ClinVar variation 1721992 (VCV001721992.5), dbSNP rs2475079202, ClinGen allele CA355792048.